The following is an entry in ClinVar:

NM_001035.3(RYR2):c.3380A>G (p.Glu1127Gly)

Gene: RYR2 (ryanodine receptor 2; plus strand). Cytogenetic location: 1q43.
Variant type: single nucleotide variant.
Coding change: c.3380A>G on transcript NM_001035.3 (MANE Select); coding-DNA position 3380, A replaced by G.
Protein change: p.Glu1127Gly; replaces glutamic acid 1127 with glycine.
Molecular consequence: missense variant.
Genome position (GRCh38, 1-based): chr1:237,566,732, A>G. VCF-style: chr1-237566732-A-G. GRCh37 (hg19) VCF-style: chr1-237730032-A-G.
Other names: p.E1127G:GAG>GGG; short protein forms E1127G.
Identifiers: ClinVar variation 43769 (VCV000043769.70), dbSNP rs200525962, ClinGen allele CA009209.

ClinVar aggregate classification (germline): Conflicting classifications of pathogenicity. Review status: criteria provided, conflicting classifications (1 of 4 stars). 18 submissions from 17 submitters: Uncertain significance (3); Benign (4); Likely benign (10). 1 of the submissions does not count toward it. Last evaluated 2026-09-01.

Conditions:
Cardiovascular phenotype. Identifiers: MedGen CN230736.
Cardiomyopathy (CMYO). Also called: Cardiomyopathies. Identifiers: Orphanet 167848, MedGen C0878544, MONDO:0004994, HP:0001638. Inheritance: Various modes of inheritance.
Catecholaminergic polymorphic ventricular tachycardia 1. Also called: RYR2-Related Catecholaminergic Polymorphic Ventricular Tachycardia; VENTRICULAR TACHYCARDIA, STRESS-INDUCED POLYMORPHIC 1; VENTRICULAR TACHYCARDIA, CATECHOLAMINERGIC POLYMORPHIC, 1, WITH OR WITHOUT ATRIAL DYSFUNCTION AND/OR DILATED CARDIOMYOPATHY. Identifiers: Orphanet 3286, MedGen C1631597, MONDO:0011484, OMIM 604772.
Arrhythmogenic right ventricular dysplasia 2. Identifiers: MedGen C1832931.
Sudden unexplained death. Identifiers: MedGen C0520806.
Hypertrophic cardiomyopathy. Also called: HYPERTROPHIC MYOCARDIOPATHY. Identifiers: Orphanet 217569, MedGen C0007194, MeSH D002312, MONDO:0005045, HP:0001639.

Allele frequency attached by ClinVar (database versions not stated): TOPMed 0.00040; 1000 Genomes Project 0.00060; gnomAD 0.00048 and 0.00059; ESP Exome Variant Server 0.00056; gnomAD exomes 0.00077 and 0.00108; 1000 Genomes Project 30x 0.00078; ExAC 0.00113.
gnomAD v4.1: 1,213 of 1,613,894 alleles (0.075%); highest among the groups gnomAD compares: South Asian, 0.54%; 14 homozygotes.

Submissions (18):

CeGaT Center for Human Genetics Tuebingen
Classification: Benign. Last evaluated: 2026-09-01. Review status: criteria provided, single submitter. Criteria: CeGaT Center For Human Genetics Tuebingen Variant Classification Criteria Version 2. Collection method: clinical testing. Allele origin: germline. Affected: yes. Observed: 9 variant alleles.
Comment: RYR2: BS1, BS2

Labcorp Genetics (formerly Invitae), Labcorp
Classification: Benign for Catecholaminergic polymorphic ventricular tachycardia 1. Last evaluated: 2026-01-28. Review status: criteria provided, single submitter. Criteria: Invitae Variant Classification Sherloc (09022015). Collection method: clinical testing. Allele origin: germline.

Molecular Diagnostic Laboratory for Inherited Cardiovascular Disease, Montreal Heart Institute
Classification: Likely benign. Last evaluated: 2025-04-08. Review status: criteria provided, single submitter. Criteria: ACMG Guidelines, 2015. Collection method: clinical testing. Allele origin: germline. Affected: no.
Comment: PP2, PP3, BS1, BS3_supp, BP6

Blueprint Genetics
Classification: Likely benign. Last evaluated: 2024-11-26. Review status: criteria provided, single submitter. Criteria: ACMG Guidelines, 2015. Collection method: clinical testing. Allele origin: germline.

Ambry Genetics
Classification: Likely benign for Cardiovascular phenotype. Last evaluated: 2021-12-15. Review status: criteria provided, single submitter. Criteria: Ambry Variant Classification Scheme 2023. Collection method: clinical testing. Allele origin: germline.

Victorian Clinical Genetics Services, Murdoch Childrens Research Institute
Classification: Likely benign for Catecholaminergic polymorphic ventricular tachycardia 1. Last evaluated: 2021-05-06. Review status: criteria provided, single submitter. Criteria: ACMG Guidelines, 2015. Collection method: clinical testing. Allele origin: germline. Inheritance: Autosomal dominant inheritance.
Comment: Based on the classification scheme VCGS_Germline_v1.3.4, this variant is classified as Likely benign. Following criteria are met: 0103 - Dominant negative and gain of function are known mechanisms of disease in this gene and are associated with catecholaminergic polymorphic ventricular tachycardia 1 (MIM#604772) (PMID: 12459180, PMID: 27646203, PMID: 29477366). (I) 0107 - This gene is associated with autosomal dominant disease. (I) 0112 - The condition associated with this gene has incomplete penetrance (OMIM and PMID: 22787013). (I) 0200 - Variant is predicted to result in a missense amino acid change from glutamic acid to glycine. (I) 0251 - This variant is heterozygous. (I) 0308 - Population frequency for this variant is out of keeping with known incidence of catecholaminergic polymorphic ventricular tachycardia, 1 (MIM#604772). (SB) 0502 - Missense variant with conflicting in silico predictions and uninformative conservation. (I) 0600 - Variant is located in the annotated SPRY domain 2 (NCBI, Uniprot). (I) 0705 - No comparable missense variants have previous evidence for pathogenicity. (I) 0808 - Previous reports of pathogenicity for this variant are conflicting. This variant has been previously reported as a VUS, but more recently as likely benign or benign (LOVD, ClinVar, Cardiodb). It has also been observed in several individuals with sudden unexplained death, hypertrophic cardiomyopathy or catecholaminergic polymorphic ventricular tachycardia (PMID: 28404607, PMID: 29350269, PMID: 27054166). (I) Legend: (SP) - Supporting pathogenic, (I) - Information, (SB) - Supporting benign

ARUP Laboratories, Molecular Genetics and Genomics, ARUP Laboratories
Classification: Likely benign. Last evaluated: 2020-05-27. Review status: criteria provided, single submitter. Criteria: ARUP Molecular Germline Variant Investigation Process. Collection method: clinical testing. Allele origin: germline.

GeneDx
Classification: Benign. Last evaluated: 2019-09-13. Review status: criteria provided, single submitter. Criteria: GeneDx Variant Classification Process June 2021. Collection method: clinical testing. Allele origin: germline. Affected: yes.
Comment: In silico analysis, which includes protein predictors and evolutionary conservation, supports a deleterious effect; This variant is associated with the following publications: (PMID: 32048431, 23861362, 25650408, 26656175, 27930701, 28404607, 29350269, 33825858)

Color Diagnostics, LLC DBA Color Health
Classification: Likely benign for Cardiomyopathy. Last evaluated: 2018-03-16. Review status: criteria provided, single submitter. Criteria: ACMG Guidelines, 2015. Collection method: clinical testing. Allele origin: germline.

Illumina Laboratory Services, Illumina
Classification: Uncertain significance for Catecholaminergic polymorphic ventricular tachycardia 1. Last evaluated: 2018-02-12. Review status: criteria provided, single submitter. Criteria: ICSL Variant Classification Criteria 13 December 2019. Collection method: clinical testing. Allele origin: germline.
Comment: This variant was observed as part of a predisposition screen in an ostensibly healthy population. A literature search was performed for the gene, cDNA change, and amino acid change (where applicable). Publications were found based on this search. However, the evidence from the literature, in combination with allele frequency data from public databases where available, was not sufficient to rule this variant in or out of causing disease. Therefore, this variant is classified as a variant of unknown significance.

Illumina Laboratory Services, Illumina
Classification: Benign for Catecholaminergic polymorphic ventricular tachycardia 1. Last evaluated: 2018-02-12. Review status: criteria provided, single submitter. Criteria: ICSL Variant Classification Criteria 13 December 2019. Collection method: clinical testing. Allele origin: germline.
Comment: This variant was observed as part of a predisposition screen in an ostensibly healthy population. A literature search was performed for the gene, cDNA change, and amino acid change (where applicable). Publications were found based on this search. The evidence from the literature, in combination with allele frequency data from public databases where available, was sufficient to rule this variant out of causing disease. Therefore, this variant is classified as benign.

Women's Health and Genetics/Laboratory Corporation of America, LabCorp
Classification: Likely benign. Last evaluated: 2017-05-30. Review status: criteria provided, single submitter. Criteria: LabCorp Variant Classification Summary - May 2015. Collection method: clinical testing. Allele origin: germline.
Comment: Variant summary: : The RYR2 c.3380A>G (p.Glu1127Gly) variant involves the alteration of a conserved nucleotide. 4/4 in silico tools predict a damaging outcome for this variant (SNPsandGO not captured due to low reliability index). This variant was found in 136/120770 control chromosomes (including 4 homozygotes) from ExAC at a frequency of 0.0011261, which is approximately 20 times the estimated maximal expected allele frequency of a pathogenic RYR2 variant (0.000055), suggesting this variant is likely a benign polymorphism. It is more common in South Asian subpopulation with an allele frequency of 0.0055 (92/16512 chromosomes). This variant has been found in two patients (one with HCM and another with Brugada syndrome) without strong evidence for causality (Bottillo_2015, Le Scouarnec_2015). The HCM patient with this variant also carried another VUS MYBPC3 p.M555T. In ClinVar while three clinical laboratories have classified this variant as likely benign/benign, other three have classified it as VUS; all without evidence for independent evaluation. This variant is also located outside of mutational "hotspots" region (exons 1-16) (Medeiros-Domingo, A et al., 2009; PMID: 19926015). Taken together, this variant is classified as likely benign.

Stanford Center for Inherited Cardiovascular Disease, Stanford University
Classification: Likely benign. Last evaluated: 2017-03-20. Review status: criteria provided, single submitter. Criteria: ACMG Guidelines, 2015. Collection method: provider interpretation. Allele origin: germline.

CHEO Genetics Diagnostic Laboratory, Children's Hospital of Eastern Ontario
Classification: Uncertain significance for Cardiomyopathy. Last evaluated: 2016-06-21. Review status: criteria provided, single submitter. Criteria: ACMG Guidelines, 2015. Collection method: clinical testing. Allele origin: germline. Study: Canadian Open Genetics Repository.

Laboratory for Molecular Medicine, Mass General Brigham Personalized Medicine
Classification: Likely benign. Last evaluated: 2015-04-15. Review status: criteria provided, single submitter. Criteria: LMM Criteria. Collection method: clinical testing. Allele origin: germline. Observed: 4 variant alleles.
Comment: p.Glu1127Gly in exon 28 of RYR2: This variant is not expected to have clinical s ignificance because it has been identified in 0.6% (92/16512) of South Asian chr omosomes by the Exome Aggregation Consortium (ExAC, rg; dbSNP rs200525962).

Biesecker Lab/Clinical Genomics Section, National Institutes of Health
Classification: Likely benign. Last evaluated: 2013-06-24. Review status: criteria provided, single submitter. Criteria: Ng et al. (Circ Cardiovasc Genet. 2013). Collection method: research. Allele origin: unknown. Observed: 1 variant allele. Study: ClinSeq.
Comment: The study set was not selected for affection status in relation to any cancer. Pathogenicity categories were based on literature curation. See Pubmed ID:23861362 for details.

Medical sequencing

Genetics and Genomics Program, Sidra Medicine
Classification: Uncertain significance for Hypertrophic cardiomyopathy. Review status: criteria provided, single submitter. Criteria: ACMG Guidelines, 2015. Collection method: research. Allele origin: unknown. Affected: yes. Observed: 1 variant allele.

Agnes Ginges Centre for Molecular Cardiology, Centenary Institute
Classification: Benign for Sudden unexplained death. Last evaluated: 2019-11-28. Review status: no assertion criteria provided. Collection method: research. Allele origin: germline. Inheritance: Autosomal dominant inheritance. Affected: yes. Not counted in ClinVar's aggregate classification.
Comment: The RYR2 Glu1127Gly has been identified previously in individuals with a broad range of cardiac conditions. The variant is present in the Genome Aggregation Database at an allele frequency of 0.001 which is higher then expected for inherited cardiac disease. In summary, based on the high allele frequency in the general population we classify RYR2 Glu1127Gly as "benign".

Literature cited by the submitters: PubMed 12459180 (cited by Victorian Clinical Genetics Services, Murdoch Childrens Research Institute); PubMed 22787013 (cited by Victorian Clinical Genetics Services, Murdoch Childrens Research Institute); PubMed 27054166 (cited by Victorian Clinical Genetics Services, Murdoch Childrens Research Institute and Illumina Laboratory Services, Illumina); PubMed 27646203 (cited by Victorian Clinical Genetics Services, Murdoch Childrens Research Institute); PubMed 28404607 (cited by Victorian Clinical Genetics Services, Murdoch Childrens Research Institute); PubMed 29350269 (cited by Victorian Clinical Genetics Services, Murdoch Childrens Research Institute); PubMed 29477366 (cited by Victorian Clinical Genetics Services, Murdoch Childrens Research Institute); PubMed 26656175 (cited by Illumina Laboratory Services, Illumina and Women's Health and Genetics/Laboratory Corporation of America, LabCorp); PubMed 27930701 (cited by Illumina Laboratory Services, Illumina); PubMed 23861362 (cited by Women's Health and Genetics/Laboratory Corporation of America, LabCorp); PubMed 25650408 (cited by Women's Health and Genetics/Laboratory Corporation of America, LabCorp).